The following is an entry in ClinVar:

ClinVar aggregate classification (germline): Likely benign (1 of 4 stars; one submission).

Submission:

CeGaT Center for Human Genetics Tuebingen
Classification: Likely benign. Last evaluated: 2022-07-01. Review status: criteria provided, single submitter. Criteria: CeGaT Center For Human Genetics Tuebingen Variant Classification Criteria Version 2. Collection method: clinical testing. Allele origin: germline. Affected: yes. Observed: 1 variant allele.
Comment: TNFRSF25: PM2:Supporting, BP4, BP7

NM_003790.3(TNFRSF25):c.624T>A (p.Ala208=)

Gene: TNFRSF25 (TNF receptor superfamily member 25; minus strand). Cytogenetic location: 1p36.31.
Variant type: single nucleotide variant.
Coding change: c.624T>A on transcript NM_003790.3 (MANE Select); coding-DNA position 624, T replaced by A.
Protein change: p.Ala208=; no amino-acid change (alanine 208 retained).
Molecular consequence: synonymous variant. On other transcripts: intron variant (2).
Genome position (GRCh38, 1-based): chr1:6,462,945, A>T on the plus strand (T>A on the coding strand, the complement: TNFRSF25 is on the minus strand). VCF-style: chr1-6462945-A-T. GRCh37 (hg19) VCF-style: chr1-6523005-A-T.
Other names: c.651T>A, p.Ala217= (NM_148965.2); c.489T>A, p.Ala163= (NM_148967.2); c.161-282T>A (NM_148970.2); c.598+127T>A (NM_148966.2).
Identifiers: ClinVar variation 2638122 (VCV002638122.24), dbSNP rs2523010855, ClinGen allele CA415831163.